The following is an entry in ClinVar:

NM_000135.4(FANCA):c.2614A>G (p.Met872Val)

Genes: FANCA (FA complementation group A; minus strand), LOC130059837 (ATAC-STARR-seq lymphoblastoid active region 11420; plus strand). Cytogenetic location: 16q24.3.
Variant type: single nucleotide variant.
Coding change: c.2614A>G on transcript NM_000135.4 (MANE Select); coding-DNA position 2614, A replaced by G.
Protein change: p.Met872Val; replaces methionine 872 with valine.
Molecular consequence: missense variant.
Genome position (GRCh38, 1-based): chr16:89,765,054, T>C on the plus strand (A>G on the coding strand, the complement: FANCA is on the minus strand). VCF-style: chr16-89765054-T-C. GRCh37 (hg19) VCF-style: chr16-89831462-T-C.
Other names: c.2614A>G, p.Met872Val (NM_001286167.3); short protein forms M872V.
Identifiers: ClinVar variation 2913298 (VCV002913298.4), dbSNP rs2544178768, ClinGen allele CA397438922.

ClinVar aggregate classification (germline): Conflicting classifications of pathogenicity. Review status: criteria provided, conflicting classifications (1 of 4 stars). 2 submissions from 2 submitters: Uncertain significance (1); Likely benign (1). Last evaluated 2026-06-24.

Conditions:
Fanconi anemia (FA). Also called: Fanconi's anemia. Identifiers: Orphanet 84, MedGen C0015625, MeSH D005199, MONDO:0019391.
Inborn genetic diseases. Identifiers: MedGen C0950123, MeSH D030342.

Allele frequency attached by ClinVar (database versions not stated): gnomAD exomes below 0.00001.
gnomAD v4.1: 1 of 1,614,156 alleles (0.000062%); highest among the groups gnomAD compares: Non-Finnish European, 0.000085%; no homozygotes.

Submissions (2):

Ambry Genetics
Classification: Likely benign for Inborn genetic diseases. Last evaluated: 2026-06-24. Review status: criteria provided, single submitter. Criteria: Ambry Variant Classification Scheme 2023. Collection method: clinical testing. Allele origin: germline.

Labcorp Genetics (formerly Invitae), Labcorp
Classification: Uncertain significance for Fanconi anemia. Last evaluated: 2022-11-10. Review status: criteria provided, single submitter. Criteria: Invitae Variant Classification Sherloc (09022015). Collection method: clinical testing. Allele origin: germline.
Comment: In summary, the available evidence is currently insufficient to determine the role of this variant in disease. Therefore, it has been classified as a Variant of Uncertain Significance. Advanced modeling of protein sequence and biophysical properties (such as structural, functional, and spatial information, amino acid conservation, physicochemical variation, residue mobility, and thermodynamic stability) performed at Invitae indicates that this missense variant is not expected to disrupt FANCA protein function. This variant has not been reported in the literature in individuals affected with FANCA-related conditions. This variant is not present in population databases (gnomAD no frequency). This sequence change replaces methionine, which is neutral and non-polar, with valine, which is neutral and non-polar, at codon 872 of the FANCA protein (p.Met872Val).